The following is an entry in ClinVar:

NM_001143688.3(DIS3L):c.3089G>A (p.Gly1030Glu)

Gene: DIS3L (DIS3 like exosome 3'-5' exoribonuclease; plus strand). Cytogenetic location: 15q22.31.
Variant type: single nucleotide variant.
Coding change: c.3089G>A on transcript NM_001143688.3 (MANE Select); coding-DNA position 3089, G replaced by A.
Protein change: p.Gly1030Glu; replaces glycine 1030 with glutamic acid.
Molecular consequence: missense variant.
Genome position (GRCh38, 1-based): chr15:66,333,236, G>A. VCF-style: chr15-66333236-G-A. GRCh37 (hg19) VCF-style: chr15-66625574-G-A.
Other names: c.2840G>A, p.Gly947Glu (NM_001323936.2, NM_001323945.2, NM_133375.5); c.2711G>A, p.Gly904Glu (NM_001323937.2); c.2687G>A, p.Gly896Glu (NM_001323938.2, NM_001323939.2, NM_001323941.2 and 1 more transcripts); c.1979G>A, p.Gly660Glu (NM_001323940.2, NM_001323943.2); c.3038G>A, p.Gly1013Glu (NM_001323944.2); c.2909G>A, p.Gly970Glu (NM_001323948.2); short protein forms G1030E, G947E, G1013E, G970E, G904E, G660E, G896E.
Identifiers: ClinVar variation 161529 (VCV000161529.2), dbSNP rs193920782, ClinGen allele CA174272.

ClinVar aggregate classification (germline): Uncertain significance (0 of 4 stars; one submission).

Conditions:
Prostate cancer. Also called: Malignant tumor of prostate. Identifiers: Orphanet 1331, MedGen C0376358, MONDO:0008315, HP:0012125.

Allele frequency attached by ClinVar (database versions not stated): gnomAD exomes below 0.00001.
gnomAD v4.1: 2 of 1,614,084 alleles (0.00012%); highest among the groups gnomAD compares: Non-Finnish European, 0.00017%; no homozygotes.

Submission:

Science for Life laboratory,  Karolinska Institutet
Classification: Uncertain significance for Malignant tumor of prostate. Review status: no assertion criteria provided. Collection method: not provided. Allele origin: somatic.
Comment: TumorID:SWE-10
ClinVar note: Converted during submission from Unknown to Uncertain significance.